The following is an entry in ClinVar:

NM_012123.4(MTO1):c.1594A>G (p.Ile532Val)

Gene: MTO1 (mitochondrial tRNA translation optimization 1; plus strand). Cytogenetic location: 6q13.
Variant type: single nucleotide variant.
Coding change: c.1594A>G on transcript NM_012123.4 (MANE Select); coding-DNA position 1594, A replaced by G.
Protein change: p.Ile532Val; replaces isoleucine 532 with valine.
Molecular consequence: missense variant.
Genome position (GRCh38, 1-based): chr6:73,482,577, A>G. VCF-style: chr6-73482577-A-G. GRCh37 (hg19) VCF-style: chr6-74192300-A-G.
Other names: c.1669A>G, p.Ile557Val (NM_133645.3); c.1714A>G, p.Ile572Val (NM_001123226.2); short protein forms I572V, I532V, I557V.
Identifiers: ClinVar variation 1483026 (VCV001483026.3), dbSNP rs1327925744, ClinGen allele CA364717606.

ClinVar aggregate classification (germline): Uncertain significance (1 of 4 stars; one submission).

Conditions:
Mitochondrial hypertrophic cardiomyopathy with lactic acidosis due to MTO1 deficiency. Also called: CARDIOMYOPATHY, INFANTILE HYPERTROPHIC MITOCHONDRIAL, AND LACTIC ACIDOSIS; Combined oxidative phosphorylation deficiency 10. Identifiers: Orphanet 314637, MedGen C4749921, MONDO:0013865, OMIM 614702.

Allele frequency attached by ClinVar (database versions not stated): gnomAD 0.00003; TOPMed 0.00001; gnomAD exomes below 0.00001.
gnomAD v4.1: 5 of 1,611,532 alleles (0.00031%); highest among the groups gnomAD compares: African/African-American, 0.0053%; no homozygotes.

Submission:

Labcorp Genetics (formerly Invitae), Labcorp
Classification: Uncertain significance for Mitochondrial hypertrophic cardiomyopathy with lactic acidosis due to MTO1 deficiency. Last evaluated: 2022-06-22. Review status: criteria provided, single submitter. Criteria: Invitae Variant Classification Sherloc (09022015). Collection method: clinical testing. Allele origin: germline.
Comment: This sequence change replaces isoleucine, which is neutral and non-polar, with valine, which is neutral and non-polar, at codon 532 of the MTO1 protein (p.Ile532Val). This variant is present in population databases (no rsID available, gnomAD 0.007%). This variant has not been reported in the literature in individuals affected with MTO1-related conditions. Algorithms developed to predict the effect of missense changes on protein structure and function output the following: SIFT: "Tolerated"; PolyPhen-2: "Benign"; Align-GVGD: "Class C0". The valine amino acid residue is found in multiple mammalian species, which suggests that this missense change does not adversely affect protein function. In summary, the available evidence is currently insufficient to determine the role of this variant in disease. Therefore, it has been classified as a Variant of Uncertain Significance.